The following is an entry in ClinVar:

NM_001031725.6(DDX59):c.1825A>G (p.Ile609Val)

Gene: DDX59 (DEAD-box helicase 59; minus strand). Cytogenetic location: 1q32.1.
Variant type: single nucleotide variant.
Coding change: c.1825A>G on transcript NM_001031725.6 (MANE Select); coding-DNA position 1825, A replaced by G.
Protein change: p.Ile609Val; replaces isoleucine 609 with valine.
Molecular consequence: missense variant. On other transcripts: intron variant (2).
Genome position (GRCh38, 1-based): chr1:200,644,289, T>C on the plus strand (A>G on the coding strand, the complement: DDX59 is on the minus strand). VCF-style: chr1-200644289-T-C. GRCh37 (hg19) VCF-style: chr1-200613417-T-C.
Other names: c.1483A>G, p.Ile495Val (NM_001320182.1); c.1825A>G, p.Ile609Val (NM_001349799.3, NM_001349800.3); c.1696A>G, p.Ile566Val (NM_001349801.3); c.1573A>G, p.Ile525Val (NM_001349803.3); c.1291A>G, p.Ile431Val (NM_001349804.2); c.1597-3104A>G (NM_001349802.3); c.1597-3033A>G (NM_001320181.2); short protein forms I431V, I609V, I495V, I525V, I566V.
Identifiers: ClinVar variation 4763548 (VCV004763548.1).

ClinVar aggregate classification (germline): Uncertain significance (1 of 4 stars; one submission).

Submission:

Labcorp Genetics (formerly Invitae), Labcorp
Classification: Uncertain significance. Last evaluated: 2025-07-05. Review status: criteria provided, single submitter. Criteria: Invitae Variant Classification Sherloc (09022015). Collection method: clinical testing. Allele origin: germline.
Comment: This sequence change replaces isoleucine, which is neutral and non-polar, with valine, which is neutral and non-polar, at codon 609 of the DDX59 protein (p.Ile609Val). This variant is not present in population databases (gnomAD no frequency). This variant has not been reported in the literature in individuals affected with DDX59-related conditions. An algorithm developed to predict the effect of missense changes on protein structure and function (PolyPhen-2) suggests that this variant is likely to be disruptive. In summary, the available evidence is currently insufficient to determine the role of this variant in disease. Therefore, it has been classified as a Variant of Uncertain Significance.